The following is an entry in ClinVar:

ClinVar aggregate classification (germline): Uncertain significance (1 of 4 stars; one submission).

Conditions:
Hereditary cancer-predisposing syndrome. Also called: Hereditary Cancer Syndrome; Neoplastic Syndromes, Hereditary; Tumor predisposition; Hereditary neoplastic syndrome. Identifiers: Orphanet 140162, MedGen C0027672, MeSH D009386, MONDO:0015356.

Submission:

Ambry Genetics
Classification: Uncertain significance for Hereditary cancer-predisposing syndrome. Last evaluated: 2026-08-10. Review status: criteria provided, single submitter. Criteria: Ambry Variant Classification Scheme 2023. Collection method: clinical testing. Allele origin: germline.
Comment: The p.M319V variant (also known as c.955A>G), located in coding exon 6 of the CTNNA1 gene, results from an A to G substitution at nucleotide position 955. The methionine at codon 319 is replaced by valine, an amino acid with highly similar properties. This amino acid position is conserved. In addition, the in silico prediction for this alteration is inconclusive. Based on the available evidence, the clinical significance of this variant remains unclear.

NM_001903.5(CTNNA1):c.955A>G (p.Met319Val)

Gene: CTNNA1 (catenin alpha 1; plus strand). Cytogenetic location: 5q31.2.
Variant type: single nucleotide variant.
Coding change: c.955A>G on transcript NM_001903.5 (MANE Select); coding-DNA position 955, A replaced by G.
Protein change: p.Met319Val; replaces methionine 319 with valine.
Molecular consequence: missense variant.
Genome position (GRCh38, 1-based): chr5:138,827,611, A>G. VCF-style: chr5-138827611-A-G. GRCh37 (hg19) VCF-style: chr5-138163300-A-G.
Other names: c.955A>G, p.Met319Val (NM_001290307.3, NM_001323982.2, NM_001323983.1 and 3 more transcripts); c.646A>G, p.Met216Val (NM_001290309.3); c.586A>G, p.Met196Val (NM_001290310.3); short protein forms M196V, M216V, M319V.
Identifiers: ClinVar variation 5035003 (VCV005035003.1).